The following is an entry in ClinVar:

ClinVar aggregate classification (germline): Likely benign. Review status: criteria provided, single submitter (1 of 4 stars). 2 submissions from 2 submitters: Likely benign (1). 1 of the submissions does not count toward it. Last evaluated 2025-07-31.

Conditions:
TRRAP-related disorder. Also called: TRRAP-related condition.

Allele frequency attached by ClinVar (database versions not stated): ExAC 0.00003; TOPMed 0.00003; gnomAD 0.00005; gnomAD exomes 0.00007 and 0.00010; ESP Exome Variant Server 0.00015.
gnomAD v4.1: 113 of 1,614,058 alleles (0.007%); highest among the groups gnomAD compares: Non-Finnish European, 0.0072%; no homozygotes.

Submissions (2):

Labcorp Genetics (formerly Invitae), Labcorp
Classification: Likely benign. Last evaluated: 2025-07-31. Review status: criteria provided, single submitter. Criteria: Invitae Variant Classification Sherloc (09022015). Collection method: clinical testing. Allele origin: germline.

PreventionGenetics, part of Exact Sciences
Classification: Likely benign for TRRAP-related condition. Last evaluated: 2019-09-10. Review status: no assertion criteria provided. Collection method: clinical testing. Allele origin: germline. Not counted in ClinVar's aggregate classification.
Comment: This variant is classified as likely benign based on ACMG/AMP sequence variant interpretation guidelines (Richards et al. 2015 PMID: 25741868, with internal and published modifications).

NM_001375524.1(TRRAP):c.4656G>A (p.Ala1552=)

Gene: TRRAP (transformation/transcription domain associated protein; plus strand). Cytogenetic location: 7q22.1.
Variant type: single nucleotide variant.
Coding change: c.4656G>A on transcript NM_001375524.1 (MANE Select); coding-DNA position 4656, G replaced by A.
Protein change: p.Ala1552=; no amino-acid change (alanine 1552 retained).
Molecular consequence: synonymous variant.
Genome position (GRCh38, 1-based): chr7:98,948,328, G>A. VCF-style: chr7-98948328-G-A. GRCh37 (hg19) VCF-style: chr7-98545951-G-A.
Other names: c.4581G>A (NM_003496.3); c.4635G>A, p.Ala1545= (NM_001244580.2); c.4581G>A, p.Ala1527= (NM_003496.4).
Identifiers: ClinVar variation 1583405 (VCV001583405.10), dbSNP rs142246393, ClinGen allele CA4360328.